The following is an entry in ClinVar:

NM_014908.4(DOLK):c.725G>A (p.Ser242Asn)

Gene: DOLK (dolichol kinase; minus strand). Cytogenetic location: 9q34.11.
Variant type: single nucleotide variant.
Coding change: c.725G>A on transcript NM_014908.4 (MANE Select); coding-DNA position 725, G replaced by A.
Protein change: p.Ser242Asn; replaces serine 242 with asparagine.
Molecular consequence: missense variant.
Genome position (GRCh38, 1-based): chr9:128,946,579, C>T on the plus strand (G>A on the coding strand, the complement: DOLK is on the minus strand). VCF-style: chr9-128946579-C-T. GRCh37 (hg19) VCF-style: chr9-131708858-C-T.
Other names: short protein forms S242N.
Identifiers: ClinVar variation 228619 (VCV000228619.14), dbSNP rs876657786, ClinGen allele CA10576744.

ClinVar aggregate classification (germline): Uncertain significance. Review status: criteria provided, multiple submitters, no conflicts (2 of 4 stars). 4 submissions from 4 submitters: Uncertain significance (4). Last evaluated 2025-04-02.

Conditions:
Cardiovascular phenotype. Identifiers: MedGen CN230736.
DK1-congenital disorder of glycosylation. Also called: DK1-CDG; CONGENITAL DISORDER OF GLYCOSYLATION, TYPE Im; CDG Im; DK1 DEFICIENCY; DOLICHOL KINASE DEFICIENCY; DOLK-congenital disorder of glycosylation. Identifiers: Orphanet 91131, MedGen C1835849, MONDO:0012556, OMIM 610768.

Allele frequency attached by ClinVar (database versions not stated): gnomAD exomes below 0.00001; gnomAD 0.00001; TOPMed 0.00003.

Submissions (4):

Ambry Genetics
Classification: Uncertain significance for Cardiovascular phenotype. Last evaluated: 2025-04-02. Review status: criteria provided, single submitter. Criteria: Ambry Variant Classification Scheme 2023. Collection method: clinical testing. Allele origin: germline.

Labcorp Genetics (formerly Invitae), Labcorp
Classification: Uncertain significance for DK1-congenital disorder of glycosylation. Last evaluated: 2021-10-30. Review status: criteria provided, single submitter. Criteria: Invitae Variant Classification Sherloc (09022015). Collection method: clinical testing. Allele origin: germline.
Comment: This sequence change replaces serine, which is neutral and polar, with asparagine, which is neutral and polar, at codon 242 of the DOLK protein (p.Ser242Asn). This variant is not present in population databases (gnomAD no frequency). This variant has not been reported in the literature in individuals affected with DOLK-related conditions. ClinVar contains an entry for this variant (Variation ID: 228619). Algorithms developed to predict the effect of missense changes on protein structure and function (SIFT, PolyPhen-2, Align-GVGD) all suggest that this variant is likely to be tolerated. In summary, the available evidence is currently insufficient to determine the role of this variant in disease. Therefore, it has been classified as a Variant of Uncertain Significance.

Fulgent Genetics
Classification: Uncertain significance for DK1-congenital disorder of glycosylation. Last evaluated: 2021-09-24. Review status: criteria provided, single submitter. Criteria: ACMG Guidelines, 2015. Collection method: clinical testing. Allele origin: unknown.

Laboratory for Molecular Medicine, Mass General Brigham Personalized Medicine
Classification: Uncertain significance. Last evaluated: 2015-05-06. Review status: criteria provided, single submitter. Criteria: LMM Criteria. Collection method: clinical testing. Allele origin: germline. Observed: 2 variant alleles.
Comment: The p.Ser242Asn variant in DOLK has not been previously reported in individuals with cardiomyopathy or in large population studies. Computational prediction too ls and conservation analysis do not provide strong support for or against an imp act to the protein. In summary, the clinical significance of the p.Ser242Asn var iant is uncertain.